The following is an entry in ClinVar:

ClinVar aggregate classification (germline): Pathogenic (1 of 4 stars; one submission).

Submission:

Quest Diagnostics Nichols Institute San Juan Capistrano
Classification: Pathogenic. Last evaluated: 2022-11-17. Review status: criteria provided, single submitter. Criteria: ACMG/ClinGen CNV Guidelines, 2019. Collection method: clinical testing. Allele origin: unknown.
Comment: Duplications of 1p36 have been reported in individuals and families with variable phenotypes (Chen 2008, Giannikou 2012, Heilstedt 1999, Marquet 2017). In addition, one study observed enrichment of 1p36.32 and 1p36.33 gains in individuals with non-syndromic cleft lip and/or without cleft palate hypodontia (Ghazali 2021). There are no similar copy number gains spanning this region in the general populations of the Database of Genomic Variants. Thus, based upon gene content and current medical literature, this copy number variant (CNV) is interpreted as pathogenic. References: Chen et al. Am J Med Genet A. 2008 Nov 1;146A(21):2785-90. PMID: 18924166. Ghazali et al., Front Physiol. 2021 Feb 26;12:637306. PMID: 33732167 Giannikou et al. Gene. 2012 Sep 15;506(2):360-8. PMID: 22766398. Heilstedt et al. Clin Genet. 1999 Aug;56(2):123-8. PMID: 10517248. Marquet et al. Eur J Med Genet. 2017 Nov;60(11):583-588. PMID: 28811188. Rees et al. Hum Mol Genet. 2014 Mar 15;23(6):1669-76. PMID: 24163246. Waly et al., Eur J Hum Genet. 2020 Dec;28(12):1703-1713. PMID: 32488097

GRCh37/hg19 1p36.33-36.32(chr1:1129319-3615916)x3

Genes: ACAP3 (ArfGAP with coiled-coil, ankyrin repeat and PH domains 3; minus strand), ACTRT2 (actin related protein T2; plus strand), ANKRD65 (ankyrin repeat domain 65; minus strand), ARHGEF16 (Rho guanine nucleotide exchange factor 16; plus strand), ATAD3A (ATPase family AAA domain containing 3A; plus strand) and 55 more. Cytogenetic location: 1p36.33-36.32.
Variant type: copy number gain.
Change: copy number 3 (three copies instead of two) of chr1:1,129,319-3,615,916 (2.49 Mb, GRCh37 coordinates, 1-based), cytogenetic band 1p36.33-36.32.
Identifiers: ClinVar variation 2685789 (VCV002685789.1).